The following is an entry in ClinVar:

ClinVar aggregate classification (germline): Uncertain significance. Review status: criteria provided, multiple submitters, no conflicts (2 of 4 stars). 2 submissions from 2 submitters: Uncertain significance (2). Last evaluated 2024-06-05.

Conditions:
Inborn genetic diseases. Identifiers: MedGen C0950123, MeSH D030342.

Allele frequency attached by ClinVar (database versions not stated): TOPMed 0.00001; gnomAD exomes 0.00001.
gnomAD v4.1: 3 of 1,613,662 alleles (0.00019%); highest among the groups gnomAD compares: Admixed American, 0.005%; no homozygotes.

Submissions (2):

GeneDx
Classification: Uncertain significance. Last evaluated: 2024-06-05. Review status: criteria provided, single submitter. Criteria: GeneDx Variant Classification Process June 2021. Collection method: clinical testing. Allele origin: germline. Affected: yes.
Comment: Not observed at significant frequency in large population cohorts (gnomAD); In silico analysis supports that this missense variant has a deleterious effect on protein structure/function; Has not been previously published as pathogenic or benign to our knowledge

Ambry Genetics
Classification: Uncertain significance for Inborn genetic diseases. Last evaluated: 2022-07-27. Review status: criteria provided, single submitter. Criteria: Ambry Variant Classification Scheme 2023. Collection method: clinical testing. Allele origin: germline.

NM_013296.5(GPSM2):c.1712G>A (p.Gly571Glu)

Gene: GPSM2 (G protein signaling modulator 2; plus strand). Cytogenetic location: 1p13.3.
Variant type: single nucleotide variant.
Coding change: c.1712G>A on transcript NM_013296.5 (MANE Select); coding-DNA position 1712, G replaced by A.
Protein change: p.Gly571Glu; replaces glycine 571 with glutamic acid.
Molecular consequence: missense variant.
Genome position (GRCh38, 1-based): chr1:108,924,111, G>A. VCF-style: chr1-108924111-G-A. GRCh37 (hg19) VCF-style: chr1-109466733-G-A.
Other names: c.1712G>A, p.Gly571Glu (NM_001321038.2, NM_001321039.3); short protein forms G571E.
Identifiers: ClinVar variation 2386534 (VCV002386534.3), dbSNP rs988531804, ClinGen allele CA28579375.